The following is an entry in ClinVar:

ClinVar aggregate classification (germline): Uncertain significance (1 of 4 stars; one submission).

Conditions:
Multiple endocrine neoplasia, type 1 (MEN1). Also called: MEN I; WERMER SYNDROME; Endocrine adenomatosis multiple; MEN 1; MEA I. Identifiers: Orphanet 652, MedGen C0025267, MeSH D018761, MONDO:0007540, OMIM 131100.

gnomAD v4.1: 5 of 1,585,228 alleles (0.00032%); highest among the groups gnomAD compares: Non-Finnish European, 0.00043%; no homozygotes.

Submission:

Labcorp Genetics (formerly Invitae), Labcorp
Classification: Uncertain significance for Multiple endocrine neoplasia, type 1. Last evaluated: 2024-08-29. Review status: criteria provided, single submitter. Criteria: Invitae Variant Classification Sherloc (09022015). Collection method: clinical testing. Allele origin: germline.
Comment: This sequence change replaces threonine, which is neutral and polar, with asparagine, which is neutral and polar, at codon 62 of the MEN1 protein (p.Thr62Asn). This variant is not present in population databases (gnomAD no frequency). This variant has not been reported in the literature in individuals affected with MEN1-related conditions. Invitae Evidence Modeling of protein sequence and biophysical properties (such as structural, functional, and spatial information, amino acid conservation, physicochemical variation, residue mobility, and thermodynamic stability) has been performed for this missense variant. However, the output from this modeling did not meet the statistical confidence thresholds required to predict the impact of this variant on MEN1 protein function. In summary, the available evidence is currently insufficient to determine the role of this variant in disease. Therefore, it has been classified as a Variant of Uncertain Significance.

NM_001370259.2(MEN1):c.185C>A (p.Thr62Asn)

Gene: MEN1 (menin 1; minus strand). Cytogenetic location: 11q13.1.
Variant type: single nucleotide variant.
Coding change: c.185C>A on transcript NM_001370259.2 (MANE Select); coding-DNA position 185, C replaced by A.
Protein change: p.Thr62Asn; replaces threonine 62 with asparagine.
Molecular consequence: missense variant. On other transcripts: non-coding transcript variant (4).
Genome position (GRCh38, 1-based): chr11:64,809,925, G>T on the plus strand (C>A on the coding strand, the complement: MEN1 is on the minus strand). VCF-style: chr11-64809925-G-T. GRCh37 (hg19) VCF-style: chr11-64577397-G-T.
Other names: c.185C>A, p.Thr62Asn (NM_000244.4, NM_001370251.2, NM_001370260.2 and 20 more transcripts); short protein forms T62N.
Identifiers: ClinVar variation 3679264 (VCV003679264.2).